The following is an entry in ClinVar:

NM_003108.4(SOX11):c.653A>G (p.Lys218Arg)

Gene: SOX11 (SRY-box transcription factor 11; plus strand). Cytogenetic location: 2p25.2.
Variant type: single nucleotide variant.
Coding change: c.653A>G on transcript NM_003108.4 (MANE Select); coding-DNA position 653, A replaced by G.
Protein change: p.Lys218Arg; replaces lysine 218 with arginine.
Molecular consequence: missense variant.
Genome position (GRCh38, 1-based): chr2:5,693,374, A>G. VCF-style: chr2-5693374-A-G. GRCh37 (hg19) VCF-style: chr2-5833506-A-G.
Other names: short protein forms K218R.
Identifiers: ClinVar variation 3381575 (VCV003381575.1).

ClinVar aggregate classification (germline): Uncertain significance (1 of 4 stars; one submission).

Submission:

GeneDx
Classification: Uncertain significance. Last evaluated: 2024-05-20. Review status: criteria provided, single submitter. Criteria: GeneDx Variant Classification Process June 2021. Collection method: clinical testing. Allele origin: germline. Affected: yes.
Comment: Not observed at significant frequency in large population cohorts (gnomAD); In silico analysis indicates that this missense variant does not alter protein structure/function; Has not been previously published as pathogenic or benign to our knowledge